The following is an entry in ClinVar:

NM_024529.5(CDC73):c.1564A>G (p.Met522Val)

Gene: CDC73 (cell division cycle 73; plus strand). Cytogenetic location: 1q31.2.
Variant type: single nucleotide variant.
Coding change: c.1564A>G on transcript NM_024529.5 (MANE Select); coding-DNA position 1564, A replaced by G.
Protein change: p.Met522Val; replaces methionine 522 with valine.
Molecular consequence: missense variant.
Genome position (GRCh38, 1-based): chr1:193,250,680, A>G. VCF-style: chr1-193250680-A-G. GRCh37 (hg19) VCF-style: chr1-193219810-A-G.
Other names: short protein forms M522V.
Identifiers: ClinVar variation 643324 (VCV000643324.8), dbSNP rs751152405, ClinGen allele CA1303895.

ClinVar aggregate classification (germline): Uncertain significance. Review status: criteria provided, multiple submitters, no conflicts (2 of 4 stars). 2 submissions from 2 submitters: Uncertain significance (2). Last evaluated 2025-12-29.

Conditions:
Parathyroid carcinoma (PRTC). Also called: Parathyroid gland carcinoma; CDC73-Related Parathyroid Carcinoma. Identifiers: Orphanet 143, MedGen C0687150, MONDO:0012004, OMIM 608266, HP:0006780.
Hereditary cancer-predisposing syndrome. Also called: Neoplastic Syndromes, Hereditary; Tumor predisposition; Hereditary neoplastic syndrome; Hereditary Cancer Syndrome. Identifiers: Orphanet 140162, MedGen C0027672, MeSH D009386, MONDO:0015356.

Allele frequency attached by ClinVar (database versions not stated): TOPMed below 0.00001; gnomAD exomes 0.00002; ExAC 0.00003.
gnomAD v4.1: 8 of 1,607,138 alleles (0.0005%); highest among the groups gnomAD compares: Non-Finnish European, 0.0006%; no homozygotes.

Submissions (2):

Labcorp Genetics (formerly Invitae), Labcorp
Classification: Uncertain significance for Parathyroid carcinoma. Last evaluated: 2025-12-29. Review status: criteria provided, single submitter. Criteria: Invitae Variant Classification Sherloc (09022015). Collection method: clinical testing. Allele origin: germline.
Comment: This sequence change replaces methionine, which is neutral and non-polar, with valine, which is neutral and non-polar, at codon 522 of the CDC73 protein (p.Met522Val). This variant is present in population databases (rs751152405, gnomAD 0.003%). This variant has not been reported in the literature in individuals affected with CDC73-related conditions. ClinVar contains an entry for this variant (Variation ID: 643324). Invitae Evidence Modeling of protein sequence and biophysical properties (such as structural, functional, and spatial information, amino acid conservation, physicochemical variation, residue mobility, and thermodynamic stability) indicates that this missense variant is not expected to disrupt CDC73 protein function with a negative predictive value of 80%. In summary, the available evidence is currently insufficient to determine the role of this variant in disease. Therefore, it has been classified as a Variant of Uncertain Significance.

Ambry Genetics
Classification: Uncertain significance for Hereditary cancer-predisposing syndrome. Last evaluated: 2024-06-27. Review status: criteria provided, single submitter. Criteria: Ambry Variant Classification Scheme 2023. Collection method: clinical testing. Allele origin: germline.
Comment: The p.M522V variant (also known as c.1564A>G), located in coding exon 17 of the CDC73 gene, results from an A to G substitution at nucleotide position 1564. The methionine at codon 522 is replaced by valine, an amino acid with highly similar properties. This amino acid position is conserved. In addition, the in silico prediction for this alteration is inconclusive. Based on the available evidence, the clinical significance of this variant remains unclear.